The following is an entry in ClinVar:

NM_001190417.2(ZNF674):c.438G>A (p.Arg146=)

Gene: ZNF674 (zinc finger protein 674; minus strand). Cytogenetic location: Xp11.3.
Variant type: single nucleotide variant.
Coding change: c.438G>A on transcript NM_001190417.2 (MANE Select); coding-DNA position 438, G replaced by A.
Protein change: p.Arg146=; no amino-acid change (arginine 146 retained).
Molecular consequence: synonymous variant.
Genome position (GRCh38, 1-based): chrX:46,501,136, C>T on the plus strand (G>A on the coding strand, the complement: ZNF674 is on the minus strand). VCF-style: chrX-46501136-C-T. GRCh37 (hg19) VCF-style: chrX-46360571-C-T.
Other names: c.453G>A, p.Arg151= (NM_001039891.3); c.435G>A, p.Arg145= (NM_001146291.2).
Identifiers: ClinVar variation 2660380 (VCV002660380.24), dbSNP rs1941419821, ClinGen allele CA516369007.
Genomic context (GRCh38, chrX:46,501,136, plus strand): 5'-ATCTTTCTTTCTTACATAGCTTCTATTTTGACCAAGAAAGTTTAAATGATGTTTTGAACA[C>T]CTTTCCCATGAATAATATTTAGGGAGTCTTTGTTTTACAGAAACAAAGTCTGTGTTGAGA-3'
Protein context (NP_001177346.1, residues 136-156): QRLPKYYSWE[Arg146=]CSKHHLNFLG

ClinVar aggregate classification (germline): Likely benign (1 of 4 stars; one submission).

Allele frequency attached by ClinVar (database versions not stated): gnomAD exomes below 0.00001; gnomAD 0.00001; TOPMed 0.00001.
gnomAD v4.1: 7 of 1,204,808 alleles (0.00058%); highest among the groups gnomAD compares: South Asian, 0.011%; no homozygotes.

Submission:

CeGaT Center for Human Genetics Tuebingen
Classification: Likely benign. Last evaluated: 2022-12-01. Review status: criteria provided, single submitter. Criteria: CeGaT Center For Human Genetics Tuebingen Variant Classification Criteria Version 2. Collection method: clinical testing. Allele origin: germline. Affected: yes. Observed: 1 variant allele.
Comment: ZNF674: BP4, BP7